The following is an entry in ClinVar:

ClinVar aggregate classification (germline): Uncertain significance (1 of 4 stars; one submission).

Conditions:
Myopathy with tubular aggregates (TAM). Also called: Tubular Aggregate Myopathy. Identifiers: Orphanet 2593, MedGen C0410207, MONDO:0008051.
Combined immunodeficiency due to STIM1 deficiency. Also called: STIM1 DEFICIENCY; IMMUNODEFICIENCY 10. Identifiers: Orphanet 169090, Orphanet 317430, MedGen C2748557, MONDO:0013008, OMIM 612783.
Stormorken syndrome (STRMK). Also called: THROMBOCYTOPATHY, ASPLENIA, AND MIOSIS. Identifiers: Orphanet 3204, MedGen C1861451, MONDO:0008497, OMIM 185070.

Submission:

Labcorp Genetics (formerly Invitae), Labcorp
Classification: Uncertain significance for Myopathy with tubular aggregates; Combined immunodeficiency due to STIM1 deficiency; Stormorken syndrome. Last evaluated: 2024-07-03. Review status: criteria provided, single submitter. Criteria: Invitae Variant Classification Sherloc (09022015). Collection method: clinical testing. Allele origin: germline.
Comment: This sequence change replaces serine, which is neutral and polar, with glycine, which is neutral and non-polar, at codon 26 of the STIM1 protein (p.Ser26Gly). This variant is not present in population databases (gnomAD no frequency). This variant has not been reported in the literature in individuals affected with STIM1-related conditions. Algorithms developed to predict the effect of missense changes on protein structure and function output the following: SIFT: "Not Available"; PolyPhen-2: "Benign"; Align-GVGD: "Not Available". The glycine amino acid residue is found in multiple mammalian species, which suggests that this missense change does not adversely affect protein function. In summary, the available evidence is currently insufficient to determine the role of this variant in disease. Therefore, it has been classified as a Variant of Uncertain Significance.

NM_001382567.1(STIM1):c.76A>G (p.Ser26Gly)

Gene: STIM1 (stromal interaction molecule 1; plus strand). Cytogenetic location: 11p15.4.
Variant type: single nucleotide variant.
Coding change: c.76A>G on transcript NM_001382567.1 (MANE Select); coding-DNA position 76, A replaced by G.
Protein change: p.Ser26Gly; replaces serine 26 with glycine.
Molecular consequence: missense variant. On other transcripts: 5 prime UTR variant (1), non-coding transcript variant (3), intron variant (10).
Genome position (GRCh38, 1-based): chr11:3,856,346, A>G. VCF-style: chr11-3856346-A-G. GRCh37 (hg19) VCF-style: chr11-3877576-A-G.
Other names: c.76A>G, p.Ser26Gly (NM_001277961.3, NM_001277962.2, NM_001382568.1 and 3 more transcripts); c.72A>G, p.Ile24Met (NM_001382569.1); c.-162A>G (NM_001382571.1); c.-84+1610A>G (NM_001382578.1, NM_001382575.1, NM_001382574.1); c.-220+1610A>G (NM_001382580.1, NM_001382581.1); c.-84+1692A>G (NM_001382576.1); c.-84+930A>G (NM_001382566.1, NM_001382579.1, NM_001382577.1 and 1 more transcripts); short protein forms I24M, S26G.
Identifiers: ClinVar variation 3762620 (VCV003762620.2).
Genomic context (GRCh38, chr11:3,856,346, plus strand): 5'-CGTCTTGCCCTGTGGCTCCTCTGGGGACTCCTCCTGCACCAGGGCCAGAGCCTCAGCCAT[A>G]GTCACAGTGAGAAGGCGACAGGAACCAGCTCGGGGGCCAACTCTGAGGAGTCCACTGCAG-3'
Protein context (NP_001369496.1, residues 16-36): LLHQGQSLSH[Ser26Gly]HSEKATGTSS